The following is an entry in ClinVar:

ClinVar aggregate classification (germline): Uncertain significance (1 of 4 stars; one submission).

Submission:

Labcorp Genetics (formerly Invitae), Labcorp
Classification: Uncertain significance. Last evaluated: 2021-12-06. Review status: criteria provided, single submitter. Criteria: Invitae Variant Classification Sherloc (09022015). Collection method: clinical testing. Allele origin: germline.
Comment: In summary, the available evidence is currently insufficient to determine the role of this variant in disease. Therefore, it has been classified as a Variant of Uncertain Significance. Experimental studies and prediction algorithms are not available or were not evaluated, and the functional significance of this variant is currently unknown. This variant has not been reported in the literature in individuals affected with CNGB1-related conditions. This variant is not present in population databases (gnomAD no frequency). This variant, c.1011_1013del, results in the deletion of 1 amino acid(s) of the CNGB1 protein (p.Asn337del), but otherwise preserves the integrity of the reading frame.

NM_001297.5(CNGB1):c.1011_1013del (p.Asn337del)

Gene: CNGB1 (cyclic nucleotide gated channel subunit beta 1; minus strand). Cytogenetic location: 16q21.
Variant type: Deletion.
Coding change: c.1011_1013del on transcript NM_001297.5 (MANE Select); coding-DNA positions 1011 to 1013, 3 bases deleted (CAA; older notation c.1011_1013delCAA).
Protein change: p.Asn337del; deletes asparagine 337.
Molecular consequence: inframe deletion.
Genome position (GRCh38, 1-based): chr16:57,950,402-57,950,404, TTG deleted on the plus strand (CAA on the coding strand, the reverse complement: CNGB1 is on the minus strand); deleting any 3 consecutive bases within chr16:57,950,402-57,950,406 gives the same sequence; the c. name uses the placement nearest the transcript's 3' end. VCF-style (leftmost placement, unchanged base first): chr16-57950401-TTTG-T. GRCh37 (hg19) VCF-style: chr16-57984305-TTTG-T.
Other names: c.993_995del, p.Asn331del (NM_001286130.2); short protein forms N331del, N337del.
Identifiers: ClinVar variation 1396474 (VCV001396474.6), dbSNP rs2149381752, ClinGen allele CA2573152492.
Genomic context (GRCh38, chr16:57,950,401, plus strand): 5'-AACAATAACTAATCTTTTAGGGTCTTCTCAGACTCCCCACCTGGGCATCTTCTCCACAGC[TTTG>T]TTCTCTTCTTCATAAGCTGGAACCACCTCTGTACCCTGTGGGCTGGTACTGACATCCTGG-3'